The following is an entry in ClinVar:

NM_006445.4(PRPF8):c.3657+3A>G

Gene: PRPF8 (pre-mRNA processing factor 8; minus strand). Cytogenetic location: 17p13.3.
Variant type: single nucleotide variant.
Coding change: c.3657+3A>G on transcript NM_006445.4 (MANE Select); 3 bases into the intron after coding-DNA position 3657, A replaced by G.
Molecular consequence: intron variant.
Genome position (GRCh38, 1-based): chr17:1,673,354, T>C on the plus strand (A>G on the coding strand, the complement: PRPF8 is on the minus strand). VCF-style: chr17-1673354-T-C. GRCh37 (hg19) VCF-style: chr17-1576648-T-C.
Identifiers: ClinVar variation 5008538 (VCV005008538.1).

ClinVar aggregate classification (germline): Uncertain significance (1 of 4 stars; one submission).

Submission:

GeneDx
Classification: Uncertain significance. Last evaluated: 2026-03-04. Review status: criteria provided, single submitter. Criteria: GeneDx Variant Classification Process June 2021. Collection method: clinical testing. Allele origin: germline.
Comment: Not observed at significant frequency in large population cohorts (gnomAD); Has not been previously published as pathogenic or benign to our knowledge; In silico analysis suggests this variant may impact gene splicing. In the absence of RNA/functional studies, the actual effect of this sequence change is unknown.